The following is an entry in ClinVar:

ClinVar aggregate classification (germline): Uncertain significance. Review status: criteria provided, multiple submitters, no conflicts (2 of 4 stars). 2 submissions from 2 submitters: Uncertain significance (2). Last evaluated 2026-01-05.

Conditions:
Hypertrophic cardiomyopathy. Also called: HYPERTROPHIC MYOCARDIOPATHY. Identifiers: Orphanet 217569, MedGen C0007194, MeSH D002312, MONDO:0005045, HP:0001639.

Allele frequency attached by ClinVar (database versions not stated): ESP Exome Variant Server 0.00008.

Submissions (2):

Labcorp Genetics (formerly Invitae), Labcorp
Classification: Uncertain significance for Hypertrophic cardiomyopathy. Last evaluated: 2026-01-05. Review status: criteria provided, single submitter. Criteria: Invitae Variant Classification Sherloc (09022015). Collection method: clinical testing. Allele origin: germline.
Comment: This sequence change replaces arginine, which is basic and polar, with glutamine, which is neutral and polar, at codon 485 of the MYOM1 protein (p.Arg485Gln). This variant is present in population databases (rs376821263, gnomAD 0.01%). This variant has not been reported in the literature in individuals affected with MYOM1-related conditions. ClinVar contains an entry for this variant (Variation ID: 1064180). Invitae Evidence Modeling of protein sequence and biophysical properties (such as structural, functional, and spatial information, amino acid conservation, physicochemical variation, residue mobility, and thermodynamic stability) indicates that this missense variant is not expected to disrupt MYOM1 protein function with a negative predictive value of 80%. In summary, the available evidence is currently insufficient to determine the role of this variant in disease. Therefore, it has been classified as a Variant of Uncertain Significance.

Ambry Genetics
Classification: Uncertain significance. Last evaluated: 2024-09-30. Review status: criteria provided, single submitter. Criteria: Ambry Variant Classification Scheme 2023. Collection method: clinical testing. Allele origin: germline.
Comment: The p.R485Q variant (also known as c.1454G>A), located in coding exon 9 of the MYOM1 gene, results from a G to A substitution at nucleotide position 1454. The arginine at codon 485 is replaced by glutamine, an amino acid with highly similar properties. This amino acid position is conserved. In addition, this alteration is predicted to be tolerated by in silico analysis. Since supporting evidence is limited at this time, the clinical significance of this alteration remains unclear.

NM_003803.4(MYOM1):c.1454G>A (p.Arg485Gln)

Gene: MYOM1 (myomesin 1; minus strand). Cytogenetic location: 18p11.31.
Variant type: single nucleotide variant.
Coding change: c.1454G>A on transcript NM_003803.4 (MANE Select); coding-DNA position 1454, G replaced by A.
Protein change: p.Arg485Gln; replaces arginine 485 with glutamine.
Molecular consequence: missense variant.
Genome position (GRCh38, 1-based): chr18:3,164,325, C>T on the plus strand (G>A on the coding strand, the complement: MYOM1 is on the minus strand). VCF-style: chr18-3164325-C-T. GRCh37 (hg19) VCF-style: chr18-3164323-C-T.
Other names: c.1454G>A, p.Arg485Gln (NM_019856.2); short protein forms R485Q.
Identifiers: ClinVar variation 1064180 (VCV001064180.12), dbSNP rs376821263, ClinGen allele CA8874945.